The following is an entry in ClinVar:

ClinVar aggregate classification (germline): Uncertain significance. Review status: criteria provided, multiple submitters, no conflicts (2 of 4 stars). 5 submissions from 5 submitters: Uncertain significance (5). Last evaluated 2026-09-16.

Conditions:
PKD1-related disorder. Also called: PKD1-related condition.
Inborn genetic diseases. Identifiers: MedGen C0950123, MeSH D030342.
Polycystic kidney disease, adult type (PKD1). Also called: POLYCYSTIC KIDNEY DISEASE, ADULT, TYPE I; Polycystic Kidney Disease 1, Autosomal Dominant; Polycystic kidney disease 1; Polycystic kidney disease 1, severe; Polycystic Kidney, Autosomal Dominant; POLYCYSTIC KIDNEY DISEASE 1 WITH OR WITHOUT POLYCYSTIC LIVER DISEASE. Identifiers: MedGen C3149841, MONDO:0008263, OMIM 173900.

Allele frequency attached by ClinVar (database versions not stated): ExAC 0.00002; gnomAD exomes 0.00003; TOPMed 0.00004.
gnomAD v4.1: 11 of 1,597,770 alleles (0.00069%); highest among the groups gnomAD compares: Admixed American, 0.017%; 1 homozygote.

Submissions (5):

PreventionGenetics, part of Exact Sciences
Classification: Uncertain significance for PKD1-related condition. Last evaluated: 2026-09-16. Review status: criteria provided, single submitter. Criteria: ACMG Guidelines, 2015. Collection method: clinical testing. Allele origin: germline.
Comment: The PKD1 c.9724C>G variant is predicted to result in the amino acid substitution p.Leu3242Val. To our knowledge, this variant has not been reported in the literature. This variant is reported in 0.019% of alleles in individuals of Latino descent in gnomAD. Although we suspect that this variant may be benign, at this time, the clinical significance of this variant is uncertain due to the absence of conclusive functional and genetic evidence.

Fulgent Genetics
Classification: Uncertain significance for Polycystic kidney disease, adult type. Last evaluated: 2024-06-13. Review status: criteria provided, single submitter. Criteria: ACMG Guidelines, 2015. Collection method: clinical testing. Allele origin: germline.

Daryl Scott Lab, Baylor College of Medicine
Classification: Uncertain significance for Polycystic kidney disease, adult type. Last evaluated: 2024-01-01. Review status: criteria provided, single submitter. Criteria: ACMG Guidelines, 2015. Collection method: clinical testing. Allele origin: unknown. Observed: 1 heterozygote.
Comment: PM2, PP3

Ambry Genetics
Classification: Uncertain significance for Inborn genetic diseases. Last evaluated: 2021-12-07. Review status: criteria provided, single submitter. Criteria: Ambry Variant Classification Scheme 2023. Collection method: clinical testing. Allele origin: germline.

Athena Diagnostics
Classification: Uncertain significance. Last evaluated: 2016-08-30. Review status: criteria provided, single submitter. Criteria: Athena Diagnostics Criteria. Collection method: clinical testing. Allele origin: germline.

NM_001009944.3(PKD1):c.9724C>G (p.Leu3242Val)

Gene: PKD1 (polycystin 1, transient receptor potential channel interacting; minus strand). Cytogenetic location: 16p13.3.
Variant type: single nucleotide variant.
Coding change: c.9724C>G on transcript NM_001009944.3 (MANE Select); coding-DNA position 9724, C replaced by G.
Protein change: p.Leu3242Val; replaces leucine 3242 with valine.
Molecular consequence: missense variant.
Genome position (GRCh38, 1-based): chr16:2,100,060, G>C on the plus strand (C>G on the coding strand, the complement: PKD1 is on the minus strand). VCF-style: chr16-2100060-G-C. GRCh37 (hg19) VCF-style: chr16-2150061-G-C.
Other names: c.9724C>G (NM_001009944.2); c.9724C>G, p.Leu3242Val (NM_000296.4); short protein forms L3242V.
Identifiers: ClinVar variation 448029 (VCV000448029.6), dbSNP rs780284563, ClinGen allele CA7829930.